The following is an entry in ClinVar:

NM_000551.4(VHL):c.149C>G (p.Ala50Gly)

Gene: VHL (von Hippel-Lindau tumor suppressor; plus strand). Cytogenetic location: 3p25.3.
Variant type: single nucleotide variant.
Coding change: c.149C>G on transcript NM_000551.4 (MANE Select); coding-DNA position 149, C replaced by G.
Protein change: p.Ala50Gly; replaces alanine 50 with glycine.
Molecular consequence: missense variant.
Genome position (GRCh38, 1-based): chr3:10,141,996, C>G. VCF-style: chr3-10141996-C-G. GRCh37 (hg19) VCF-style: chr3-10183680-C-G.
Other names: c.149C>G, p.Ala50Gly (NM_001354723.2, NM_198156.3); short protein forms A50G.
Identifiers: ClinVar variation 935622 (VCV000935622.11), dbSNP rs766576246, ClinGen allele CA351748259.

ClinVar aggregate classification (germline): Conflicting classifications of pathogenicity. Review status: criteria provided, conflicting classifications (1 of 4 stars). 2 submissions from 2 submitters: Uncertain significance (1); Likely benign (1). Last evaluated 2025-07-13.

Conditions:
Hereditary cancer-predisposing syndrome. Also called: Tumor predisposition; Hereditary neoplastic syndrome; Neoplastic Syndromes, Hereditary; Hereditary Cancer Syndrome. Identifiers: Orphanet 140162, MedGen C0027672, MeSH D009386, MONDO:0015356.
Von Hippel-Lindau syndrome (VHLS). Also called: VHL syndrome; Von Hippel-Lindau; von Hippel–Lindau syndrome. Identifiers: Orphanet 892, MedGen C0019562, MONDO:0008667, OMIM 193300. Disease mechanism: loss of function.
Chuvash polycythemia. Also called: POLYCYTHEMIA, VHL-DEPENDENT. Identifiers: Orphanet 238557, MedGen C1837915, MONDO:0009892, OMIM 263400.

Submissions (2):

Labcorp Genetics (formerly Invitae), Labcorp
Classification: Uncertain significance for Von Hippel-Lindau syndrome; Chuvash polycythemia. Last evaluated: 2025-07-13. Review status: criteria provided, single submitter. Criteria: Invitae Variant Classification Sherloc (09022015). Collection method: clinical testing. Allele origin: germline.
Comment: This sequence change replaces alanine, which is neutral and non-polar, with glycine, which is neutral and non-polar, at codon 50 of the VHL protein (p.Ala50Gly). This variant is not present in population databases (gnomAD no frequency). This variant has not been reported in the literature in individuals affected with VHL-related conditions. ClinVar contains an entry for this variant (Variation ID: 935622). Invitae Evidence Modeling of protein sequence and biophysical properties (such as structural, functional, and spatial information, amino acid conservation, physicochemical variation, residue mobility, and thermodynamic stability) indicates that this missense variant is not expected to disrupt VHL protein function with a negative predictive value of 95%. In summary, the available evidence is currently insufficient to determine the role of this variant in disease. Therefore, it has been classified as a Variant of Uncertain Significance.

Ambry Genetics
Classification: Likely benign for Hereditary cancer-predisposing syndrome. Last evaluated: 2024-05-02. Review status: criteria provided, single submitter. Criteria: Ambry Variant Classification Scheme 2023. Collection method: clinical testing. Allele origin: germline.